The following is an entry in ClinVar:

NM_000535.7(PMS2):c.911G>A (p.Arg304Lys)

Gene: PMS2 (PMS1 homolog 2, mismatch repair system component; minus strand). Cytogenetic location: 7p22.1.
Variant type: single nucleotide variant.
Coding change: c.911G>A on transcript NM_000535.7 (MANE Select); coding-DNA position 911, G replaced by A.
Protein change: p.Arg304Lys; replaces arginine 304 with lysine.
Molecular consequence: missense variant. On other transcripts: 5 prime UTR variant (2), non-coding transcript variant (1).
Genome position (GRCh38, 1-based): chr7:5,992,050, C>T on the plus strand (G>A on the coding strand, the complement: PMS2 is on the minus strand). VCF-style: chr7-5992050-C-T. GRCh37 (hg19) VCF-style: chr7-6031681-C-T.
Other names: c.506G>A, p.Arg169Lys (NM_001322003.2, NM_001322004.2, NM_001322005.2 and 2 more transcripts); c.911G>A, p.Arg304Lys (NM_001322006.2, NM_001322014.2); c.593G>A, p.Arg198Lys (NM_001322007.2, NM_001322008.2); c.-23G>A (NM_001322011.2, NM_001322012.2); c.338G>A, p.Arg113Lys (NM_001322013.2); c.602G>A, p.Arg201Lys (NM_001322015.2); short protein forms R304K, R201K, R113K, R169K, R198K.
Identifiers: ClinVar variation 566856 (VCV000566856.10), dbSNP rs1562652035, ClinGen allele CA366743211.

ClinVar aggregate classification (germline): Uncertain significance. Review status: criteria provided, multiple submitters, no conflicts (2 of 4 stars). 2 submissions from 2 submitters: Uncertain significance (2). Last evaluated 2023-07-29.

Conditions:
Hereditary nonpolyposis colorectal neoplasms. Identifiers: MedGen C0009405, MeSH D003123.
Hereditary cancer-predisposing syndrome. Also called: Neoplastic Syndromes, Hereditary; Tumor predisposition; Hereditary neoplastic syndrome; Hereditary Cancer Syndrome. Identifiers: Orphanet 140162, MedGen C0027672, MeSH D009386, MONDO:0015356.

Submissions (2):

Ambry Genetics
Classification: Uncertain significance for Hereditary cancer-predisposing syndrome. Last evaluated: 2023-07-29. Review status: criteria provided, single submitter. Criteria: Ambry Variant Classification Scheme 2023. Collection method: clinical testing. Allele origin: germline.
Comment: The p.R304K variant (also known as c.911G>A), located in coding exon 9 of the PMS2 gene, results from a G to A substitution at nucleotide position 911. The arginine at codon 304 is replaced by lysine, an amino acid with highly similar properties. This amino acid position is conserved. In addition, this alteration is predicted to be tolerated by in silico analysis. Since supporting evidence is limited at this time, the clinical significance of this alteration remains unclear.

Labcorp Genetics (formerly Invitae), Labcorp
Classification: Uncertain significance for Hereditary nonpolyposis colorectal neoplasms. Last evaluated: 2018-04-08. Review status: criteria provided, single submitter. Criteria: Invitae Variant Classification Sherloc (09022015). Collection method: clinical testing. Allele origin: germline.
Comment: In summary, the available evidence is currently insufficient to determine the role of this variant in disease. Therefore, it has been classified as a Variant of Uncertain Significance. Algorithms developed to predict the effect of missense changes on protein structure and function output the following: SIFT: "Tolerated"; PolyPhen-2: "Benign"; Align-GVGD: "Class C0". The lysine amino acid residue is found in multiple mammalian species, suggesting that this missense change does not adversely affect protein function. These predictions have not been confirmed by published functional studies and their clinical significance is uncertain. This variant has not been reported in the literature in individuals with PMS2-related disease. This variant is not present in population databases (ExAC no frequency). This sequence change replaces arginine with lysine at codon 304 of the PMS2 protein (p.Arg304Lys). The arginine residue is weakly conserved and there is a small physicochemical difference between arginine and lysine.